The following is an entry in ClinVar:

ClinVar aggregate classification (germline): Uncertain significance (1 of 4 stars; one submission).

gnomAD v4.1: 1 of 1,575,302 alleles (0.000063%); highest among the groups gnomAD compares: African/African-American, 0.0014%; no homozygotes.

Submission:

GeneDx
Classification: Uncertain significance. Last evaluated: 2021-03-04. Review status: criteria provided, single submitter. Criteria: GeneDx Variant Classification Process June 2021. Collection method: clinical testing. Allele origin: germline. Affected: yes.
Comment: Not observed at a significant frequency in large population cohorts (Lek et al., 2016); In silico analysis supports that this missense variant does not alter protein structure/function; Has not been previously published as pathogenic or benign to our knowledge

NM_001127222.2(CACNA1A):c.2807A>T (p.Gln936Leu)

Gene: CACNA1A (calcium voltage-gated channel subunit alpha1 A; minus strand). Cytogenetic location: 19p13.13.
Variant type: single nucleotide variant.
Coding change: c.2807A>T on transcript NM_001127222.2 (MANE Select); coding-DNA position 2807, A replaced by T.
Protein change: p.Gln936Leu; replaces glutamine 936 with leucine.
Molecular consequence: missense variant.
Genome position (GRCh38, 1-based): chr19:13,298,826, T>A on the plus strand (A>T on the coding strand, the complement: CACNA1A is on the minus strand). VCF-style: chr19-13298826-T-A. GRCh37 (hg19) VCF-style: chr19-13409640-T-A.
Other names: c.2819A>T, p.Gln940Leu (NM_000068.4, NM_023035.3); c.2810A>T, p.Gln937Leu (NM_001127221.2, NM_001174080.2); short protein forms Q936L, Q937L, Q940L.
Identifiers: ClinVar variation 1314149 (VCV001314149.2), dbSNP rs1179931638, ClinGen allele CA404342677.
Genomic context (GRCh38, chr19:13,298,826, plus strand): 5'-CGATGCTCCCCGTCCGCGCCCGTGCGCGGGGACCCGCTGCGGCTCTCCCTGCTGCCCCCC[T>A]GCCGGTGCACGTGCCTCCGGTGGGGGTCCCCGGCCTTGCCTCGCTCGGCCTCGCCCTCCC-3'
Protein context (NP_001120694.1, residues 926-946): GDPHRRHVHR[Gln936Leu]GGSRESRSGS